The following is an entry in ClinVar:

NM_138801.3(GALM):c.457del (p.Asp153fs)

Gene: GALM (galactose mutarotase; plus strand). Cytogenetic location: 2p22.1.
Variant type: Deletion.
Coding change: c.457del on transcript NM_138801.3 (MANE Select); coding-DNA position 457, one base deleted (G; older notation c.457delG).
Protein change: p.Asp153fs; shifts the reading frame from aspartic acid 153.
Molecular consequence: frameshift variant.
Genome position (GRCh38, 1-based): chr2:38,681,391, G deleted; the last of 2 consecutive G bases (chr2:38,681,390-38,681,391); deleting either gives the same sequence. VCF-style (leftmost placement, unchanged base first): chr2-38681389-TG-T. GRCh37 (hg19) VCF-style: chr2-38908531-TG-T.
Other names: c.457delG (NM_138801.3); short protein forms D153fs.
Identifiers: ClinVar variation 4845671 (VCV004845671.1).

ClinVar aggregate classification (germline): Likely pathogenic (1 of 4 stars; one submission).

Conditions:
Galactosemia 4. Also called: GALACTOSE MUTAROTASE DEFICIENCY; GALACTOSEMIA IV. Identifiers: Orphanet 570422, MedGen C5394377, MONDO:0030105, OMIM 618881.

Submission:

First Genomix Gene Laboratory, Genetic Diagnostics Department
Classification: Likely pathogenic for Galactosemia 4. Last evaluated: 2025-01-13. Review status: criteria provided, single submitter. Criteria: ACMG Guidelines, 2015. Collection method: clinical testing. Allele origin: germline. Inheritance: Autosomal recessive inheritance. Affected: no. Observed: 1 variant allele.